The following is an entry in ClinVar:

NM_021072.4(HCN1):c.107A>C (p.Glu36Ala)

Gene: HCN1 (hyperpolarization activated cyclic nucleotide gated potassium channel 1; minus strand). Cytogenetic location: 5p12.
Variant type: single nucleotide variant.
Coding change: c.107A>C on transcript NM_021072.4 (MANE Select); coding-DNA position 107, A replaced by C.
Protein change: p.Glu36Ala; replaces glutamic acid 36 with alanine.
Molecular consequence: missense variant.
Genome position (GRCh38, 1-based): chr5:45,695,987, T>G on the plus strand (A>C on the coding strand, the complement: HCN1 is on the minus strand). VCF-style: chr5-45695987-T-G. GRCh37 (hg19) VCF-style: chr5-45696089-T-G.
Other names: short protein forms E36A.
Identifiers: ClinVar variation 1387686 (VCV001387686.9), dbSNP rs2112109568, ClinGen allele CA359706732.

ClinVar aggregate classification (germline): Uncertain significance (1 of 4 stars; one submission).

Conditions:
Early-infantile DEE. Also called: Ohtahara syndrome; Early infantile epileptic encephalopathy; Early infantile epileptic encephalopathy with suppression bursts. Identifiers: Orphanet 1934, MedGen C0393706, MONDO:0800491.

Allele frequency attached by ClinVar (database versions not stated): gnomAD exomes below 0.00001.
gnomAD v4.1: 1 of 1,300,772 alleles (0.000077%); highest among the groups gnomAD compares: Non-Finnish European, 0.000098%; no homozygotes.

Submission:

Labcorp Genetics (formerly Invitae), Labcorp
Classification: Uncertain significance for Early-infantile DEE. Last evaluated: 2020-11-10. Review status: criteria provided, single submitter. Criteria: Invitae Variant Classification Sherloc (09022015). Collection method: clinical testing. Allele origin: germline.
Comment: In summary, the available evidence is currently insufficient to determine the role of this variant in disease. Therefore, it has been classified as a Variant of Uncertain Significance. Advanced modeling of protein sequence and biophysical properties (such as structural, functional, and spatial information, amino acid conservation, physicochemical variation, residue mobility, and thermodynamic stability) performed at Invitae indicates that this missense variant is not expected to disrupt HCN1 protein function. This variant has not been reported in the literature in individuals with HCN1-related conditions. The frequency data for this variant in the population databases is considered unreliable, as metrics indicate insufficient coverage at this position in the ExAC database. This sequence change replaces glutamic acid with alanine at codon 36 of the HCN1 protein (p.Glu36Ala). The glutamic acid residue is weakly conserved and there is a moderate physicochemical difference between glutamic acid and alanine.